The following is an entry in ClinVar:

NM_000271.5(NPC1):c.515C>T (p.Ala172Val)

Gene: NPC1 (NPC intracellular cholesterol transporter 1; minus strand). Cytogenetic location: 18q11.2.
Variant type: single nucleotide variant.
Coding change: c.515C>T on transcript NM_000271.5 (MANE Select); coding-DNA position 515, C replaced by T.
Protein change: p.Ala172Val; replaces alanine 172 with valine.
Molecular consequence: missense variant.
Genome position (GRCh38, 1-based): chr18:23,561,476, G>A on the plus strand (C>T on the coding strand, the complement: NPC1 is on the minus strand). VCF-style: chr18-23561476-G-A. GRCh37 (hg19) VCF-style: chr18-21141440-G-A.
Other names: c.515C>T (NM_000271.4); short protein forms A172V.
Identifiers: ClinVar variation 1393674 (VCV001393674.6), dbSNP rs753654470, ClinGen allele CA8913717.

ClinVar aggregate classification (germline): Uncertain significance. Review status: criteria provided, single submitter (1 of 4 stars). 2 submissions from 2 submitters: Uncertain significance (1). 1 of the submissions does not count toward it. Last evaluated 2024-02-24.

Conditions:
NPC1-related disorder. Also called: NPC1-related condition.
Niemann-Pick disease, type C1. Also called: NEUROVISCERAL STORAGE DISEASE WITH VERTICAL SUPRANUCLEAR OPHTHALMOPLEGIA; NIEMANN-PICK DISEASE WITH CHOLESTEROL ESTERIFICATION BLOCK; NIEMANN-PICK DISEASE WITHOUT SPHINGOMYELINASE DEFICIENCY; NIEMANN-PICK DISEASE, CHRONIC NEURONOPATHIC FORM; NIEMANN-PICK DISEASE, VARIANT TYPE C1. Identifiers: Orphanet 646, MedGen C3179455, MONDO:0009757, OMIM 257220.

Allele frequency attached by ClinVar (database versions not stated): gnomAD exomes below 0.00001 and 0.00001; ExAC 0.00001; gnomAD 0.00001.
gnomAD v4.1: 7 of 1,614,008 alleles (0.00043%); highest among the groups gnomAD compares: South Asian, 0.0055%; no homozygotes.

Submissions (2):

Labcorp Genetics (formerly Invitae), Labcorp
Classification: Uncertain significance for Niemann-Pick disease, type C1. Last evaluated: 2024-02-24. Review status: criteria provided, single submitter. Criteria: Invitae Variant Classification Sherloc (09022015). Collection method: clinical testing. Allele origin: germline.
Comment: This sequence change replaces alanine, which is neutral and non-polar, with valine, which is neutral and non-polar, at codon 172 of the NPC1 protein (p.Ala172Val). This variant is present in population databases (rs753654470, gnomAD 0.003%). This variant has not been reported in the literature in individuals affected with NPC1-related conditions. ClinVar contains an entry for this variant (Variation ID: 1393674). Advanced modeling of protein sequence and biophysical properties (such as structural, functional, and spatial information, amino acid conservation, physicochemical variation, residue mobility, and thermodynamic stability) performed at Invitae indicates that this missense variant is expected to disrupt NPC1 protein function with a positive predictive value of 95%. In summary, the available evidence is currently insufficient to determine the role of this variant in disease. Therefore, it has been classified as a Variant of Uncertain Significance.

PreventionGenetics, part of Exact Sciences
Classification: Uncertain significance for NPC1-related condition. Last evaluated: 2024-07-10. Review status: no assertion criteria provided. Collection method: clinical testing. Allele origin: germline. Not counted in ClinVar's aggregate classification.
Comment: The NPC1 c.515C>T variant is predicted to result in the amino acid substitution p.Ala172Val. To our knowledge, this variant has not been reported in the literature. This variant is reported in 0.0033% of alleles in individuals of South Asian descent in gnomAD. Although we suspect this variant may be pathogenic, at this time, the clinical significance of this variant is uncertain due to the absence of conclusive functional and genetic evidence.